The following is an entry in ClinVar:

NM_004456.5(EZH2):c.208A>G (p.Ile70Val)

Gene: EZH2 (enhancer of zeste 2 polycomb repressive complex 2 subunit; minus strand). Cytogenetic location: 7q36.1.
Variant type: single nucleotide variant.
Coding change: c.208A>G on transcript NM_004456.5 (MANE Select); coding-DNA position 208, A replaced by G.
Protein change: p.Ile70Val; replaces isoleucine 70 with valine.
Molecular consequence: missense variant.
Genome position (GRCh38, 1-based): chr7:148,846,508, T>C on the plus strand (A>G on the coding strand, the complement: EZH2 is on the minus strand). VCF-style: chr7-148846508-T-C. GRCh37 (hg19) VCF-style: chr7-148543600-T-C.
Other names: c.208A>G, p.Ile70Val (NM_001203247.2, NM_001203248.2, NM_001203249.2 and 1 more transcripts); short protein forms I70V.
Identifiers: ClinVar variation 2893230 (VCV002893230.3), dbSNP rs2537872876, ClinGen allele CA369708155.

ClinVar aggregate classification (germline): Uncertain significance (1 of 4 stars; one submission).

Conditions:
Weaver syndrome (WVS). Also called: Weaver Smith syndrome; Overgrowth syndrome with accelerated skeletal maturation, unusual facies, and camptodactyly. Identifiers: Orphanet 3447, MedGen C0265210, MONDO:0010193, OMIM 277590.

gnomAD v4.1: 1 of 1,613,954 alleles (0.000062%); no homozygotes.

Submission:

Labcorp Genetics (formerly Invitae), Labcorp
Classification: Uncertain significance for Weaver syndrome. Last evaluated: 2023-09-01. Review status: criteria provided, single submitter. Criteria: Invitae Variant Classification Sherloc (09022015). Collection method: clinical testing. Allele origin: germline.
Comment: This sequence change replaces isoleucine, which is neutral and non-polar, with valine, which is neutral and non-polar, at codon 70 of the EZH2 protein (p.Ile70Val). In summary, the available evidence is currently insufficient to determine the role of this variant in disease. Therefore, it has been classified as a Variant of Uncertain Significance. Advanced modeling of protein sequence and biophysical properties (such as structural, functional, and spatial information, amino acid conservation, physicochemical variation, residue mobility, and thermodynamic stability) performed at Invitae indicates that this missense variant is not expected to disrupt EZH2 protein function. This variant has not been reported in the literature in individuals affected with EZH2-related conditions. This variant is not present in population databases (gnomAD no frequency).